The following is an entry in ClinVar:

NM_001009944.3(PKD1):c.1467G>A (p.Leu489=)

Gene: PKD1 (polycystin 1, transient receptor potential channel interacting; minus strand). Cytogenetic location: 16p13.3.
Variant type: single nucleotide variant.
Coding change: c.1467G>A on transcript NM_001009944.3 (MANE Select); coding-DNA position 1467, G replaced by A.
Protein change: p.Leu489=; no amino-acid change (leucine 489 retained).
Molecular consequence: synonymous variant.
Genome position (GRCh38, 1-based): chr16:2,116,972, C>T on the plus strand (G>A on the coding strand, the complement: PKD1 is on the minus strand). VCF-style: chr16-2116972-C-T. GRCh37 (hg19) VCF-style: chr16-2166973-C-T.
Other names: c.1467G>A, p.Leu489= (NM_000296.4).
Identifiers: ClinVar variation 4682365 (VCV004682365.1).

ClinVar aggregate classification (germline): Uncertain significance (1 of 4 stars; one submission).

Submission:

Athena Diagnostics
Classification: Uncertain significance. Last evaluated: 2025-10-22. Review status: criteria provided, single submitter. Criteria: Athena Diagnostics Criteria. Collection method: clinical testing. Allele origin: unknown.
Comment: Available data are insufficient to determine the clinical significance of the variant at this time. This variant has not been reported in large, multi-ethnic general populations. Computational tools yielded predictions that this variant is unlikely to have an effect on normal RNA splicing.